The following is an entry in ClinVar:

NM_000069.3(CACNA1S):c.1970T>C (p.Leu657Pro)

Gene: CACNA1S (calcium voltage-gated channel subunit alpha1 S; minus strand). Cytogenetic location: 1q32.1.
Variant type: single nucleotide variant.
Coding change: c.1970T>C on transcript NM_000069.3 (MANE Select); coding-DNA position 1970, T replaced by C.
Protein change: p.Leu657Pro; replaces leucine 657 with proline.
Molecular consequence: missense variant.
Genome position (GRCh38, 1-based): chr1:201,074,599, A>G on the plus strand (T>C on the coding strand, the complement: CACNA1S is on the minus strand). VCF-style: chr1-201074599-A-G. GRCh37 (hg19) VCF-style: chr1-201043727-A-G.
Other names: short protein forms L657P.
Identifiers: ClinVar variation 4812940 (VCV004812940.1).

ClinVar aggregate classification (germline): Likely benign (1 of 4 stars; one submission).

Conditions:
Hypokalemic periodic paralysis, type 1. Also called: Hypokalemic Periodic Paralysis Type 1 (AD); HypoPP. Identifiers: Orphanet 681, MedGen C3714580, MONDO:0042979, OMIM 170400.

Submission:

Centre for Medical Genetics,  Mumbai
Classification: Likely benign for Hypokalemic periodic paralysis, type 1. Last evaluated: 2026-02-21. Review status: criteria provided, single submitter. Criteria: ACMG Guidelines, 2015. Collection method: provider interpretation. Allele origin: germline. Inheritance: Autosomal dominant inheritance. Affected: no. Observed: 1 heterozygote.
Comment: The variant satisfies PM2 criteria; extremely low frequency in gnomAD population databases. mutations and for which missense mutation is a common mechanism of a disease. The variant satisfies PP3 criteria; for a missense or a splicing region variant, computational prediction tools unanimously support a deleterious effect on the gene. However, the variant satisfies BS2 criteria.

Literature cited by the submitters: PubMed 11591859.